The following is an entry in ClinVar:

ClinVar aggregate classification (germline): Pathogenic (1 of 4 stars; one submission).

Conditions:
Bardet-Biedl syndrome (BBS). Identifiers: Orphanet 110, MedGen C0752166, MONDO:0015229.

Submission:

Labcorp Genetics (formerly Invitae), Labcorp
Classification: Pathogenic for Bardet-Biedl syndrome. Last evaluated: 2024-12-18. Review status: criteria provided, single submitter. Criteria: Invitae Variant Classification Sherloc (09022015). Collection method: clinical testing. Allele origin: germline.
Comment: This sequence change creates a premature translational stop signal (p.Val69Cysfs*17) in the BBS5 gene. It is expected to result in an absent or disrupted protein product. Loss-of-function variants in BBS5 are known to be pathogenic (PMID: 15137946, 16877420, 26325687, 27708425, 28041643, 29806606). This variant is not present in population databases (gnomAD no frequency). This variant has not been reported in the literature in individuals affected with BBS5-related conditions. For these reasons, this variant has been classified as Pathogenic.

Literature cited by the submitters: PubMed 15137946; PubMed 16877420; PubMed 26325687; PubMed 27708425; PubMed 28041643; PubMed 29806606.

NM_152384.3(BBS5):c.204dup (p.Val69fs)

Gene: BBS5 (Bardet-Biedl syndrome 5; plus strand). Cytogenetic location: 2q31.1.
Variant type: Duplication.
Coding change: c.204dup on transcript NM_152384.3 (MANE Select); coding-DNA position 204, one base duplicated (T; older notation c.204dupT).
Protein change: p.Val69fs; shifts the reading frame from valine 69.
Molecular consequence: frameshift variant.
Genome position (GRCh38, 1-based): chr2:169,487,130, T duplicated. VCF-style (leftmost placement, unchanged base first): chr2-169487129-A-AT. GRCh37 (hg19) VCF-style: chr2-170343639-A-AT.
Other names: short protein forms V69fs.
Identifiers: ClinVar variation 3727601 (VCV003727601.2).